The following is an entry in ClinVar:

ClinVar aggregate classification (germline): Likely pathogenic (1 of 4 stars; one submission).

Conditions:
Hereditary insensitivity to pain with anhidrosis (CIPA). Also called: hereditary sensory and autonomic neuropathy type 4; NTRK1 Congenital Insensitivity to Pain with Anhidrosis; INSENSITIVITY TO PAIN, CONGENITAL, WITH ANHIDROSIS; FAMILIAL DYSAUTONOMIA, TYPE II; NEUROPATHY, CONGENITAL SENSORY, WITH ANHIDROSIS; HSAN Type IV. Identifiers: Orphanet 642, MedGen C0020074, MONDO:0009746, OMIM 256800.

Submission:

Women's Health and Genetics/Laboratory Corporation of America, LabCorp
Classification: Likely pathogenic for Hereditary insensitivity to pain with anhidrosis. Last evaluated: 2025-02-21. Review status: criteria provided, single submitter. Criteria: LabCorp Variant Classification Summary - May 2015. Collection method: clinical testing. Allele origin: germline.
Comment: Variant summary: NTRK1 c.2188-12C>A alters a non-conserved nucleotide located at a position not widely known to affect splicing. Several computational tools predict a significant impact on normal splicing: Two predict the variant abolishes a 3' acceptor site. Two predict the variant weakens a 3' acceptor site. Four predict the variant creates a cryptic 3' acceptor site. At least one publication reports experimental evidence that this variant affects mRNA splicing. Specifically, it was demonstated that the variant led to usage of an alternative splice-site resulting in incorporation of 10 additional intronic bases and introduction of a frameshift variant (p.Ala730fs*) (example: Kurth_2016). The variant was absent in 157730 control chromosomes. c.2188-12C>A has been reported in the literature in a homozygous individual, as the result of UPD1, who was affected with Hereditary insensitivity to pain with anhidrosis (example: Kurth_2016). These data indicate that the variant may be associated with disease. The following publication has been ascertained in the context of this evaluation (PMID: 27184211). No submitters have cited clinical-significance assessments for this variant to ClinVar. Based on the evidence outlined above, the variant was classified as likely pathogenic.

Literature cited by the submitters: PubMed 27184211.

NM_002529.4(NTRK1):c.2206-12C>A

Gene: NTRK1 (neurotrophic receptor tyrosine kinase 1; plus strand). Cytogenetic location: 1q23.1.
Variant type: single nucleotide variant.
Coding change: c.2206-12C>A on transcript NM_002529.4 (MANE Select); 12 bases into the intron before coding-DNA position 2206, C replaced by A.
Molecular consequence: intron variant.
Genome position (GRCh38, 1-based): chr1:156,881,445, C>A. VCF-style: chr1-156881445-C-A. GRCh37 (hg19) VCF-style: chr1-156851237-C-A.
Other names: c.2098-12C>A (NM_001007792.1); c.2188-12C>A (NM_001012331.2).
Identifiers: ClinVar variation 3768896 (VCV003768896.1).